The following is an entry in ClinVar:

NM_001211.6(BUB1B):c.932G>A (p.Gly311Asp)

Gene: BUB1B (BUB1 mitotic checkpoint serine/threonine kinase B; plus strand). Cytogenetic location: 15q15.1.
Variant type: single nucleotide variant.
Coding change: c.932G>A on transcript NM_001211.6 (MANE Select); coding-DNA position 932, G replaced by A.
Protein change: p.Gly311Asp; replaces glycine 311 with aspartic acid.
Molecular consequence: missense variant.
Genome position (GRCh38, 1-based): chr15:40,185,345, G>A. VCF-style: chr15-40185345-G-A. GRCh37 (hg19) VCF-style: chr15-40477546-G-A.
Other names: short protein forms G311D.
Identifiers: ClinVar variation 4867991 (VCV004867991.1).

ClinVar aggregate classification (germline): Uncertain significance (1 of 4 stars; one submission).

Conditions:
Inborn genetic diseases. Identifiers: MedGen C0950123, MeSH D030342.

Submission:

Ambry Genetics
Classification: Uncertain significance for Inborn genetic diseases. Last evaluated: 2026-04-10. Review status: criteria provided, single submitter. Criteria: Ambry Variant Classification Scheme 2023. Collection method: clinical testing. Allele origin: germline.
Comment: The p.G311D variant (also known as c.932G>A), located in coding exon 7 of the BUB1B gene, results from a G to A substitution at nucleotide position 932. The glycine at codon 311 is replaced by aspartic acid, an amino acid with similar properties. This amino acid position is conserved. In addition, this alteration is predicted to be tolerated by in silico analysis. Based on the available evidence, the clinical significance of this variant remains unclear.